The following is an entry in ClinVar:

ClinVar aggregate classification (germline): Likely benign. Review status: criteria provided, multiple submitters, no conflicts (2 of 4 stars). 2 submissions from 2 submitters: Likely benign (2). Last evaluated 2018-06-14.

Allele frequency attached by ClinVar (database versions not stated): gnomAD exomes 0.00043; 1000 Genomes Project 0.00399; 1000 Genomes Project 30x 0.00422; gnomAD 0.00430 and 0.00465; TOPMed 0.00502.
gnomAD v4.1: 1,013 of 917,264 alleles (0.11%); highest among the groups gnomAD compares: African/African-American, 1.5%; 11 homozygotes.

Submissions (2):

GeneDx
Classification: Likely benign. Last evaluated: 2018-06-14. Review status: criteria provided, single submitter. Criteria: GeneDx Variant Classification (06012015). Collection method: clinical testing. Allele origin: germline. Affected: yes.
Comment: This variant is considered likely benign or benign based on one or more of the following criteria: it is a conservative change, it occurs at a poorly conserved position in the protein, it is predicted to be benign by multiple in silico algorithms, and/or has population frequency not consistent with disease.

Breakthrough Genomics
Classification: Likely benign. Review status: criteria provided, single submitter. Criteria: ACMG Guidelines, 2015. Collection method: not provided. Allele origin: germline. Inheritance: Autosomal recessive inheritance. Affected: yes.

NM_001267550.2(TTN):c.20275+136C>T

Genes: TTN (titin; minus strand), LOC126806429 (BRD4-independent group 4 enhancer GRCh37_chr2:179591393-179592592; plus strand). Cytogenetic location: 2q31.2.
Variant type: single nucleotide variant.
Coding change: c.20275+136C>T on transcript NM_001267550.2 (MANE Select); 136 bases into the intron after coding-DNA position 20275, C replaced by T.
Molecular consequence: intron variant.
Genome position (GRCh38, 1-based): chr2:178,726,954, G>A on the plus strand (C>T on the coding strand, the complement: TTN is on the minus strand). VCF-style: chr2-178726954-G-A. GRCh37 (hg19) VCF-style: chr2-179591681-G-A.
Other names: c.13282+11128C>T (NM_003319.4); c.13858+11128C>T (NM_133437.4); c.13657+11128C>T (NM_133432.3); c.16543+136C>T (NM_133378.4); c.19324+136C>T (NM_001256850.1).
Identifiers: ClinVar variation 675635 (VCV000675635.2), dbSNP rs79057558, ClinGen allele CA60976342.
Genomic context (GRCh38, chr2:178,726,954, plus strand): 5'-ATATTTCATAATGACTAGTTACATGTAAGCAAAATTCAAGAAGGAAACCATCTAAAAAGG[G>A]AAATAATACTAGCTCAGAAAAATATTCTATGATCTCAAATGGAAACTAAAATGATAGTAA-3'